The following is an entry in ClinVar:

ClinVar aggregate classification (germline): Uncertain significance (1 of 4 stars; one submission).

Submission:

GeneDx
Classification: Uncertain significance. Last evaluated: 2024-03-18. Review status: criteria provided, single submitter. Criteria: GeneDx Variant Classification Process June 2021. Collection method: clinical testing. Allele origin: germline. Affected: yes.
Comment: Not observed at significant frequency in large population cohorts (gnomAD); In silico analysis supports that this missense variant has a deleterious effect on protein structure/function; Has not been previously published as pathogenic or benign to our knowledge

NM_002024.6(FMR1):c.490G>A (p.Glu164Lys)

Gene: FMR1 (fragile X messenger ribonucleoprotein 1; plus strand). Cytogenetic location: Xq27.3.
Variant type: single nucleotide variant.
Coding change: c.490G>A on transcript NM_002024.6 (MANE Select); coding-DNA position 490, G replaced by A.
Protein change: p.Glu164Lys; replaces glutamic acid 164 with lysine.
Molecular consequence: missense variant. On other transcripts: non-coding transcript variant (2).
Genome position (GRCh38, 1-based): chrX:147,930,018, G>A. VCF-style: chrX-147930018-G-A. GRCh37 (hg19) VCF-style: chrX-147011537-G-A.
Other names: c.490G>A, p.Glu164Lys (NM_001185075.2, NM_001185076.2, NM_001185081.2 and 1 more transcripts); short protein forms E164K.
Identifiers: ClinVar variation 3370943 (VCV003370943.1).
Genomic context (GRCh38, chrX:147,930,018, plus strand): 5'-GAGGCGGCACATAAGGATTTTAAAAAGGCAGTTGGTGCCTTTTCTGTAACTTATGATCCA[G>A]AAAATTATCAGCTTGTCATTTTGGTGAGCATTTTTGAGTTGTTTATTTTTAGTTTAATTC-3'
Protein context (NP_002015.1, residues 154-174): VGAFSVTYDP[Glu164Lys]NYQLVILSIN